The following is an entry in ClinVar:

NM_005591.4(MRE11):c.1535C>T (p.Thr512Ile)

Gene: MRE11 (MRE11 double strand break repair nuclease; minus strand). Cytogenetic location: 11q21.
Variant type: single nucleotide variant.
Coding change: c.1535C>T on transcript NM_005591.4 (MANE Select); coding-DNA position 1535, C replaced by T.
Protein change: p.Thr512Ile; replaces threonine 512 with isoleucine.
Molecular consequence: missense variant.
Genome position (GRCh38, 1-based): chr11:94,456,304, G>A on the plus strand (C>T on the coding strand, the complement: MRE11 is on the minus strand). VCF-style: chr11-94456304-G-A. GRCh37 (hg19) VCF-style: chr11-94189470-G-A.
Other names: c.1535C>T, p.Thr512Ile (NM_001330347.2, NM_005590.4); short protein forms T512I.
Identifiers: ClinVar variation 1800147 (VCV001800147.2), dbSNP rs781438010, ClinGen allele CA382370749.

ClinVar aggregate classification (germline): Uncertain significance (1 of 4 stars; one submission).

Conditions:
Hereditary cancer-predisposing syndrome. Also called: Neoplastic Syndromes, Hereditary; Tumor predisposition; Hereditary Cancer Syndrome; Hereditary neoplastic syndrome. Identifiers: Orphanet 140162, MedGen C0027672, MeSH D009386, MONDO:0015356.

gnomAD v4.1: 1 of 1,613,402 alleles (0.000062%); highest among the groups gnomAD compares: African/African-American, 0.0013%; no homozygotes.

Submission:

Ambry Genetics
Classification: Uncertain significance for Hereditary cancer-predisposing syndrome. Last evaluated: 2022-08-30. Review status: criteria provided, single submitter. Criteria: Ambry Variant Classification Scheme 2023. Collection method: clinical testing. Allele origin: germline.
Comment: The p.T512I variant (also known as c.1535C>T), located in coding exon 13 of the MRE11A gene, results from a C to T substitution at nucleotide position 1535. The threonine at codon 512 is replaced by isoleucine, an amino acid with similar properties. This amino acid position is not well conserved in available vertebrate species. In addition, this alteration is predicted to be tolerated by in silico analysis. Since supporting evidence is limited at this time, the clinical significance of this alteration remains unclear.